The following is an entry in ClinVar:

NM_001572.5(IRF7):c.679G>C (p.Gly227Arg)

Gene: IRF7 (interferon regulatory factor 7; minus strand). Cytogenetic location: 11p15.5.
Variant type: single nucleotide variant.
Coding change: c.679G>C on transcript NM_001572.5 (MANE Select); coding-DNA position 679, G replaced by C.
Protein change: p.Gly227Arg; replaces glycine 227 with arginine.
Molecular consequence: missense variant.
Genome position (GRCh38, 1-based): chr11:614,174, C>G on the plus strand (G>C on the coding strand, the complement: IRF7 is on the minus strand). VCF-style: chr11-614174-C-G. GRCh37 (hg19) VCF-style: chr11-614174-C-G.
Other names: c.718G>C, p.Gly240Arg (NM_004031.4); c.679G>C, p.Gly227Arg (NM_004029.4); short protein forms G227R, G240R.
Identifiers: ClinVar variation 3678028 (VCV003678028.3).
Genomic context (GRCh38, chr11:614,174, plus strand): 5'-GTGTCCGTCCAGGTGCACTGGCCCCTCCCGCGCTCCCCCCCTCCCCGGGCACGCCCACAC[C>G]TCCAGCACAGGCCCCAGTCAGGGGAAGCCCTTCTTGTCCCTCTCCAGGAGCCTTGGTTGG-3'
Protein context (NP_001563.2, residues 217-237): GLPLTGACAG[Gly227Arg]PGLPAGELYG

ClinVar aggregate classification (germline): Uncertain significance (1 of 4 stars; one submission).

Conditions:
Immunodeficiency 39 (IMD39). Identifiers: Orphanet 574918, MedGen C4225358, MONDO:0014597, OMIM 616345.

gnomAD v4.1: 12 of 1,612,284 alleles (0.00074%); highest among the groups gnomAD compares: East Asian, 0.0022%; no homozygotes.

Submissions (2):

Labcorp Genetics (formerly Invitae), Labcorp
Classification: Uncertain significance for Immunodeficiency 39. Last evaluated: 2024-05-15. Review status: criteria provided, single submitter. Criteria: Invitae Variant Classification Sherloc (09022015). Collection method: clinical testing. Allele origin: germline.
Comment: This sequence change replaces glycine, which is neutral and non-polar, with arginine, which is basic and polar, at codon 240 of the IRF7 protein (p.Gly240Arg). This variant also falls at the last nucleotide of exon 4, which is part of the consensus splice site for this exon. This variant is not present in population databases (gnomAD no frequency). This variant has not been reported in the literature in individuals affected with IRF7-related conditions. An algorithm developed to predict the effect of missense changes on protein structure and function (PolyPhen-2) suggests that this variant is likely to be tolerated. Variants that disrupt the consensus splice site are a relatively common cause of aberrant splicing (PMID: 17576681, 9536098). Algorithms developed to predict the effect of sequence changes on RNA splicing suggest that this variant may disrupt the consensus splice site. In summary, the available evidence is currently insufficient to determine the role of this variant in disease. Therefore, it has been classified as a Variant of Uncertain Significance.

Dr. Peter K. Rogan Lab, Western University
No classification provided (evidence only). Condition: Colorectal cancer. Review status: no classification provided. Collection method: in vitro. Allele origin: not applicable. Functional consequence: retained intron. Not counted in ClinVar's aggregate classification.

Literature cited by the submitters: PubMed 17576681 (cited by Labcorp Genetics (formerly Invitae), Labcorp); PubMed 9536098 (cited by Labcorp Genetics (formerly Invitae), Labcorp).